The following is an entry in ClinVar:

ClinVar aggregate classification (germline): Pathogenic. Review status: criteria provided, multiple submitters, no conflicts (2 of 4 stars). 3 submissions from 3 submitters: Pathogenic (2). 1 of the submissions does not count toward it. Last evaluated 2022-05-28.

Conditions:
Glycine encephalopathy 1 (GCE1). Identifiers: MedGen CN376801, MONDO:0958179, OMIM 605899.
Glycine encephalopathy. Also called: Non-ketotic hyperglycinemia; Nonketotic hyperglycinemia. Identifiers: Orphanet 407, MedGen C0751748, MONDO:0011612, HP:0008288.

gnomAD v4.1: 7 of 1,613,404 alleles (0.00043%); highest among the groups gnomAD compares: Non-Finnish European, 0.00059%; no homozygotes.

Submissions (3):

Labcorp Genetics (formerly Invitae), Labcorp
Classification: Pathogenic for Glycine encephalopathy. Last evaluated: 2022-05-28. Review status: criteria provided, single submitter. Criteria: Invitae Variant Classification Sherloc (09022015). Collection method: clinical testing. Allele origin: germline.
Comment: This sequence change creates a premature translational stop signal (p.Gln370*) in the GLDC gene. It is expected to result in an absent or disrupted protein product. Loss-of-function variants in GLDC are known to be pathogenic (PMID: 16601880). This variant is not present in population databases (gnomAD no frequency). This premature translational stop signal has been observed in individual(s) with glycine encephalopathy (PMID: 27362913). ClinVar contains an entry for this variant (Variation ID: 554515). For these reasons, this variant has been classified as Pathogenic.

Fulgent Genetics
Classification: Pathogenic for Glycine encephalopathy 1. Last evaluated: 2021-12-30. Review status: criteria provided, single submitter. Criteria: ACMG Guidelines, 2015. Collection method: clinical testing. Allele origin: unknown.

Counsyl
Classification: Likely pathogenic for Glycine encephalopathy 1. Last evaluated: 2017-10-24. Review status: no assertion criteria provided. Collection method: clinical testing. Allele origin: unknown. Not counted in ClinVar's aggregate classification.

Literature cited by the submitters: PubMed 16601880 (cited by Labcorp Genetics (formerly Invitae), Labcorp); PubMed 27362913 (cited by Labcorp Genetics (formerly Invitae), Labcorp and Counsyl).

NM_000170.3(GLDC):c.1108C>T (p.Gln370Ter)

Gene: GLDC (glycine decarboxylase; minus strand). Cytogenetic location: 9p24.1.
Variant type: single nucleotide variant.
Coding change: c.1108C>T on transcript NM_000170.3 (MANE Select); coding-DNA position 1108, C replaced by T.
Protein change: p.Gln370Ter; replaces glutamine 370 with a stop codon.
Molecular consequence: nonsense.
Genome position (GRCh38, 1-based): chr9:6,602,156, G>A on the plus strand (C>T on the coding strand, the complement: GLDC is on the minus strand). VCF-style: chr9-6602156-G-A. GRCh37 (hg19) VCF-style: chr9-6602156-G-A.
Other names: short protein forms Q370*.
Identifiers: ClinVar variation 554515 (VCV000554515.9), dbSNP rs570097430, ClinGen allele CA4980862.